The following is an entry in ClinVar:

ClinVar aggregate classification (germline): Pathogenic. Review status: reviewed by expert panel (3 of 4 stars). 3 submissions from 3 submitters: Pathogenic (1). 2 of the submissions do not count toward it. Last evaluated 2016-10-18.

Conditions:
Breast-ovarian cancer, familial, susceptibility to, 2 (BROVCA2). Also called: BRCA2 Hereditary Breast and Ovarian Cancer. Identifiers: Orphanet 145, MedGen C2675520, MONDO:0012933, OMIM 612555. Disease mechanism: loss of function.

Submissions (3):

Evidence-based Network for the Interpretation of Germline Mutant Alleles (ENIGMA)
Classification: Pathogenic for Breast-ovarian cancer, familial, susceptibility to, 2. Last evaluated: 2016-10-18. Review status: reviewed by expert panel. Criteria: ENIGMA BRCA1/2 Classification Criteria (2015). Collection method: curation. Allele origin: germline.
Comment: Variant allele predicted to encode a truncated non-functional protein.

Consortium of Investigators of Modifiers of BRCA1/2 (CIMBA), c/o University of Cambridge
Classification: Pathogenic for Breast-ovarian cancer, familial, susceptibility to, 2. Last evaluated: 2015-10-02. Review status: criteria provided, single submitter. Criteria: CIMBA Mutation Classification guidelines May 2016. Collection method: clinical testing. Allele origin: germline. Not counted in ClinVar's aggregate classification.

BRCAlab, Lund University
Classification: Pathogenic for Breast-ovarian cancer, familial, susceptibility to, 2. Last evaluated: 2020-03-02. Review status: no assertion criteria provided. Collection method: clinical testing. Allele origin: germline. Affected: yes. Not counted in ClinVar's aggregate classification.

NM_000059.4(BRCA2):c.2539A>T (p.Arg847Ter)

Gene: BRCA2 (BRCA2 DNA repair associated; plus strand). Cytogenetic location: 13q13.1.
Variant type: single nucleotide variant.
Coding change: c.2539A>T on transcript NM_000059.4 (MANE Select); coding-DNA position 2539, A replaced by T.
Protein change: p.Arg847Ter; replaces arginine 847 with a stop codon.
Molecular consequence: nonsense.
Genome position (GRCh38, 1-based): chr13:32,336,894, A>T. VCF-style: chr13-32336894-A-T. GRCh37 (hg19) VCF-style: chr13-32911031-A-T.
Other names: 2767A>T; short protein forms R847*.
Identifiers: ClinVar variation 266708 (VCV000266708.6), dbSNP rs886040435, ClinGen allele CA10589161.